The following is an entry in ClinVar:

ClinVar aggregate classification (germline): Pathogenic/Likely pathogenic. Review status: criteria provided, multiple submitters, no conflicts (2 of 4 stars). 2 submissions from 2 submitters: Pathogenic (1); Likely pathogenic (1). Last evaluated 2022-11-23.

Conditions:
Mucopolysaccharidosis, MPS-IV-A (MPS4A). Also called: Mucopolysaccharidosis type IV A; Mucopolysaccharidosis Type IVA; Morquio syndrome A, mild; MORQUIO SYNDROME A; MPS IVA; mucopolysaccharidosis type 4A. Identifiers: Orphanet 309297, Orphanet 582, MedGen C0086651, MONDO:0009659, OMIM 253000.

Submissions (2):

Labcorp Genetics (formerly Invitae), Labcorp
Classification: Pathogenic for Mucopolysaccharidosis, MPS-IV-A. Last evaluated: 2022-11-23. Review status: criteria provided, single submitter. Criteria: Invitae Variant Classification Sherloc (09022015). Collection method: clinical testing. Allele origin: germline.
Comment: For these reasons, this variant has been classified as Pathogenic. This sequence change creates a premature translational stop signal (p.Ala27Argfs*19) in the GALNS gene. It is expected to result in an absent or disrupted protein product. Loss-of-function variants in GALNS are known to be pathogenic (PMID: 12442278). This variant is not present in population databases (gnomAD no frequency). This premature translational stop signal has been observed in individual(s) with mucopolysaccharidosis type IVA (PMID: 34387910). ClinVar contains an entry for this variant (Variation ID: 1048252).

Laboratory of Diagnosis and Therapy of Lysosomal Disorders, University of Padova
Classification: Likely pathogenic for Mucopolysaccharidosis, MPS-IV-A. Last evaluated: 2021-02-01. Review status: criteria provided, single submitter. Criteria: ACMG Guidelines, 2015. Collection method: research. Allele origin: germline. Affected: yes.
Comment: Frameshift variant (PVS1_very strong); absent from gnomAD v2.1.1 (PM2_moderate)

Literature cited by the submitters: PubMed 12442278 (cited by Labcorp Genetics (formerly Invitae), Labcorp); PubMed 34387910 (cited by Labcorp Genetics (formerly Invitae), Labcorp and Laboratory of Diagnosis and Therapy of Lysosomal Disorders, University of Padova).

NM_000512.5(GALNS):c.77dup (p.Ala27fs)

Genes: GALNS (galactosamine (N-acetyl)-6-sulfatase; minus strand), TRAPPC2L (trafficking protein particle complex subunit 2L; plus strand), LOC130059762 (ATAC-STARR-seq lymphoblastoid silent region 7883; plus strand). Cytogenetic location: 16q24.3.
Variant type: Duplication.
Coding change: c.77dup on transcript NM_000512.5 (MANE Select); coding-DNA position 77, one base duplicated (G; older notation c.77dupG).
Protein change: p.Ala27fs; shifts the reading frame from alanine 27.
Molecular consequence: frameshift variant. On other transcripts: 5 prime UTR variant (2).
Genome position (GRCh38, 1-based): chr16:88,856,801, C duplicated on the plus strand (G on the coding strand, the reverse complement: GALNS is on the minus strand); the first of 3 consecutive C bases (chr16:88,856,801-88,856,803); duplicating any one gives the same sequence. VCF-style (leftmost placement, unchanged base first): chr16-88856800-G-GC. GRCh37 (hg19) VCF-style: chr16-88923208-G-GC.
Other names: c.-355dup (NM_001323543.2); c.-76dup (NM_001323544.2); short protein forms A27fs.
Identifiers: ClinVar variation 1048252 (VCV001048252.6), dbSNP rs2143013573, ClinGen allele CA2499223755.
Genomic context (GRCh38, chr16:88,856,800, plus strand): 5'-CCCACCGCCCGCACTCACGTCGTCCATGAGCAGGAGCAGGATGTTGGGGGGCTGCGGGGC[G>GC]CCCGAGGCCCCCATCCCCGCGGCGCTGAGCACCAGCAACAGCTGCCACCACCTCGTCGCC-3'